The following is an entry in ClinVar:

ClinVar aggregate classification (germline): Uncertain significance (1 of 4 stars; one submission).

gnomAD v4.1: 1 of 1,613,686 alleles (0.000062%); highest among the groups gnomAD compares: Middle Eastern, 0.017%; no homozygotes.

Submission:

Ambry Genetics
Classification: Uncertain significance. Last evaluated: 2024-08-26. Review status: criteria provided, single submitter. Criteria: Ambry Variant Classification Scheme 2023. Collection method: clinical testing. Allele origin: germline.
Comment: The p.A111G variant (also known as c.332C>G), located in coding exon 4 of the NQO1 gene, results from a C to G substitution at nucleotide position 332. The alanine at codon 111 is replaced by glycine, an amino acid with similar properties. This amino acid position is conserved. In addition, the in silico prediction for this alteration is inconclusive. Based on the available evidence, the clinical significance of this variant remains unclear.

NM_000903.3(NQO1):c.332C>G (p.Ala111Gly)

Gene: NQO1 (NAD(P)H quinone dehydrogenase 1; minus strand). Cytogenetic location: 16q22.1.
Variant type: single nucleotide variant.
Coding change: c.332C>G on transcript NM_000903.3 (MANE Select); coding-DNA position 332, C replaced by G.
Protein change: p.Ala111Gly; replaces alanine 111 with glycine.
Molecular consequence: missense variant. On other transcripts: intron variant (2).
Genome position (GRCh38, 1-based): chr16:69,715,049, G>C on the plus strand (C>G on the coding strand, the complement: NQO1 is on the minus strand). VCF-style: chr16-69715049-G-C. GRCh37 (hg19) VCF-style: chr16-69748952-G-C.
Other names: c.332C>G, p.Ala111Gly (NM_001025433.2); c.303+3074C>G (NM_001286137.2); c.304-1920C>G (NM_001025434.2); short protein forms A111G.
Identifiers: ClinVar variation 3407556 (VCV003407556.1).
Genomic context (GRCh38, chr16:69,715,049, plus strand): 5'-GCAGCGTAAGTGTAAGCAAACTCTCCTATGAACACTCGCTCAAACCAGCCTTTCAGAATG[G>C]CAGGGACTCCAAACCACTGCAGGGGGAACTGTGGGACAGAAGACATCATTGAGGTAAGAC-3'
Protein context (NP_000894.1, residues 101-121): QFPLQWFGVP[Ala111Gly]ILKGWFERVF